The following is an entry in ClinVar:

NM_014225.6(PPP2R1A):c.645C>T (p.Asp215=)

Gene: PPP2R1A (protein phosphatase 2 scaffold subunit Aalpha; plus strand). Cytogenetic location: 19q13.41.
Variant type: single nucleotide variant.
Coding change: c.645C>T on transcript NM_014225.6 (MANE Select); coding-DNA position 645, C replaced by T.
Protein change: p.Asp215=; no amino-acid change (aspartic acid 215 retained).
Molecular consequence: synonymous variant. On other transcripts: non-coding transcript variant (1).
Genome position (GRCh38, 1-based): chr19:52,212,827, C>T. VCF-style: chr19-52212827-C-T. GRCh37 (hg19) VCF-style: chr19-52716080-C-T.
Other names: c.108C>T, p.Asp36= (NM_001363656.2).
Identifiers: ClinVar variation 1661203 (VCV001661203.12), dbSNP rs150469675, ClinGen allele CA9621384.

ClinVar aggregate classification (germline): Likely benign. Review status: criteria provided, multiple submitters, no conflicts (2 of 4 stars). 2 submissions from 2 submitters: Likely benign (2). Last evaluated 2026-03-01.

Allele frequency attached by ClinVar (database versions not stated): TOPMed 0.00003; gnomAD 0.00004; gnomAD exomes 0.00009; ExAC 0.00012; ESP Exome Variant Server 0.00015; 1000 Genomes Project 30x 0.00031.
gnomAD v4.1: 151 of 1,599,478 alleles (0.0094%); highest among the groups gnomAD compares: Non-Finnish European, 0.012%; no homozygotes.

Submissions (2):

CeGaT Center for Human Genetics Tuebingen
Classification: Likely benign. Last evaluated: 2026-03-01. Review status: criteria provided, single submitter. Criteria: CeGaT Center For Human Genetics Tuebingen Variant Classification Criteria Version 2. Collection method: clinical testing. Allele origin: germline. Affected: yes. Observed: 1 variant allele.
Comment: PPP2R1A: BP4, BP7

Labcorp Genetics (formerly Invitae), Labcorp
Classification: Likely benign. Last evaluated: 2025-11-09. Review status: criteria provided, single submitter. Criteria: Invitae Variant Classification Sherloc (09022015). Collection method: clinical testing. Allele origin: germline.